The following is an entry in ClinVar:

ClinVar aggregate classification (germline): Uncertain significance (1 of 4 stars; one submission).

Submission:

GeneDx
Classification: Uncertain significance. Last evaluated: 2025-06-03. Review status: criteria provided, single submitter. Criteria: GeneDx Variant Classification Process June 2021. Collection method: clinical testing. Allele origin: germline. Affected: yes.
Comment: Not observed at significant frequency in large population cohorts (gnomAD); In silico analysis supports a deleterious effect on splicing; Has not been previously published as pathogenic or benign to our knowledge

NM_007144.3(PCGF2):c.426-9C>A

Gene: PCGF2 (polycomb group ring finger 2; minus strand). Cytogenetic location: 17q12.
Variant type: single nucleotide variant.
Coding change: c.426-9C>A on transcript NM_007144.3 (MANE Select); 9 bases into the intron before coding-DNA position 426, C replaced by A.
Molecular consequence: intron variant.
Genome position (GRCh38, 1-based): chr17:38,738,604, G>T on the plus strand (C>A on the coding strand, the complement: PCGF2 is on the minus strand). VCF-style: chr17-38738604-G-T. GRCh37 (hg19) VCF-style: chr17-36894857-G-T.
Other names: c.426-9C>A (NM_001369614.1, NM_001369615.1).
Identifiers: ClinVar variation 4536526 (VCV004536526.1).